The following is an entry in ClinVar:

NM_001080453.3(INTS1):c.1907G>A (p.Arg636His)

Gene: INTS1 (integrator complex subunit 1; minus strand). Cytogenetic location: 7p22.3.
Variant type: single nucleotide variant.
Coding change: c.1907G>A on transcript NM_001080453.3 (MANE Select); coding-DNA position 1907, G replaced by A.
Protein change: p.Arg636His; replaces arginine 636 with histidine.
Molecular consequence: missense variant.
Genome position (GRCh38, 1-based): chr7:1,494,819, C>T on the plus strand (G>A on the coding strand, the complement: INTS1 is on the minus strand). VCF-style: chr7-1494819-C-T. GRCh37 (hg19) VCF-style: chr7-1534455-C-T.
Other names: short protein forms R636H.
Identifiers: ClinVar variation 1806577 (VCV001806577.1), dbSNP rs1438388271, ClinGen allele CA366592826.

ClinVar aggregate classification (germline): Uncertain significance (1 of 4 stars; one submission).

gnomAD v4.1: 3 of 1,562,110 alleles (0.00019%); highest among the groups gnomAD compares: Non-Finnish European, 0.00026%; no homozygotes.

Submission:

GeneDx
Classification: Uncertain significance. Last evaluated: 2022-12-20. Review status: criteria provided, single submitter. Criteria: GeneDx Variant Classification Process June 2021. Collection method: clinical testing. Allele origin: germline. Affected: yes.
Comment: Not observed at significant frequency in large population cohorts (gnomAD); In silico analysis supports that this missense variant has a deleterious effect on protein structure/function; Has not been previously published as pathogenic or benign to our knowledge